The following is an entry in ClinVar:

ClinVar aggregate classification (germline): Conflicting classifications of pathogenicity. Review status: criteria provided, conflicting classifications (1 of 4 stars). 4 submissions from 4 submitters: Uncertain significance (2); Likely benign (1). 1 of the submissions does not count toward it. Last evaluated 2025-09-03.

Conditions:
Type 2 diabetes mellitus. Also called: Type II diabetes mellitus. Identifiers: MedGen C0011860, MeSH D003924, MONDO:0005148, OMIM 125853, HP:0005978.
Hypoinsulinemic hypoglycemia and body hemihypertrophy. Also called: Hypoinsulinemic hypoglycemia and hemihypertrophy. Identifiers: Orphanet 293964, MedGen C3278384, MONDO:0009416, OMIM 240900.
AKT2-related disorder. Also called: AKT2-related condition.
Inborn genetic diseases. Identifiers: MedGen C0950123, MeSH D030342.

Allele frequency attached by ClinVar (database versions not stated): gnomAD exomes 0.00024 and 0.00034; ExAC 0.00029; gnomAD 0.00029; TOPMed 0.00034; ESP Exome Variant Server 0.00046.

Submissions (4):

Labcorp Genetics (formerly Invitae), Labcorp
Classification: Uncertain significance for Hypoinsulinemic hypoglycemia and body hemihypertrophy; Type 2 diabetes mellitus. Last evaluated: 2025-09-03. Review status: criteria provided, single submitter. Criteria: Invitae Variant Classification Sherloc (09022015). Collection method: clinical testing. Allele origin: germline.
Comment: This sequence change replaces arginine, which is basic and polar, with lysine, which is basic and polar, at codon 208 of the AKT2 protein (p.Arg208Lys). This variant is present in population databases (rs35817154, gnomAD 0.05%), and has an allele count higher than expected for a pathogenic variant. This missense change has been observed in individual(s) with insulin resistance (PMID: 17327441). ClinVar contains an entry for this variant (Variation ID: 1052045). An algorithm developed to predict the effect of missense changes on protein structure and function (PolyPhen-2) suggests that this variant is likely to be tolerated. Experimental studies have shown that this missense change affects AKT2 function (PMID: 28341696). In summary, the available evidence is currently insufficient to determine the role of this variant in disease. Therefore, it has been classified as a Variant of Uncertain Significance.

Ambry Genetics
Classification: Likely benign for Inborn genetic diseases. Last evaluated: 2022-05-13. Review status: criteria provided, single submitter. Criteria: Ambry Variant Classification Scheme 2023. Collection method: clinical testing. Allele origin: germline.

New York Genome Center
Classification: Uncertain significance for Type 2 diabetes mellitus; Hypoinsulinemic hypoglycemia and body hemihypertrophy. Last evaluated: 2022-01-21. Review status: criteria provided, single submitter. Criteria: NYGC Assertion Criteria 2020. Collection method: clinical testing. Allele origin: germline. Observed: 2 heterozygotes. Clinical features observed: Hyperlipidemia (HP:0003077), Hypertriglyceridemia (HP:0002155), Hepatic steatosis (HP:0001397), Type 2 diabetes mellitus (HP:0005978).
Comment: The c.623G>A variant identified in AKT2 has previously been reported in the literature in individuals with severe insulin resistance [PMID: 17327441], and it has also been reported in ClinVar as variant of uncertain significance [Variation ID: 1052045]. This variant is observed at a low frequency (~0.03-0.05% alternate allele frequency) in the controls/biobanks subpopulations of gnomAD v2.1 and v3.1.1, suggesting it is not a common benign variant in those populations. The predicted p.(Arg208Lys) variant replaces an evolutionarily conserved arginine amino acid with lysine in the kinase domain of the encoded protein[PMID: 17327441]. In vitro studies on this variant demonstrated inconclusive results (reduced vs unaffected kinase activity) [PMIDs: 17327441, 28341696]. In silico predictions are also inconclusive of the damaging effect [CADD v1.6= 26.5, REVEL= 0.038]. Based on available evidence, this c.623G>A (p.(Arg208Lys)) variant identified in AKT2 is classified as a Variant of Uncertain Significance.

PreventionGenetics, part of Exact Sciences
Classification: Uncertain significance for AKT2-related condition. Last evaluated: 2024-04-04. Review status: no assertion criteria provided. Collection method: clinical testing. Allele origin: germline. Not counted in ClinVar's aggregate classification.
Comment: The AKT2 c.623G>A variant is predicted to result in the amino acid substitution p.Arg208Lys. Additional function studies showed that this variant does not significantly alter protein function. This variant is reported in 0.050% of alleles in individuals of European (Non-Finnish) descent in gnomAD. This variant could be benign. At this time, the clinical significance of this variant is uncertain due to the absence of conclusive functional and genetic evidence.

Literature cited by the submitters: PubMed 17327441 (cited by Labcorp Genetics (formerly Invitae), Labcorp); PubMed 28341696 (cited by Labcorp Genetics (formerly Invitae), Labcorp).

NM_001626.6(AKT2):c.623G>A (p.Arg208Lys)

Gene: AKT2 (AKT serine/threonine kinase 2; minus strand). Cytogenetic location: 19q13.2.
Variant type: single nucleotide variant.
Coding change: c.623G>A on transcript NM_001626.6 (MANE Select); coding-DNA position 623, G replaced by A.
Protein change: p.Arg208Lys; replaces arginine 208 with lysine.
Molecular consequence: missense variant.
Genome position (GRCh38, 1-based): chr19:40,240,061, C>T on the plus strand (G>A on the coding strand, the complement: AKT2 is on the minus strand). VCF-style: chr19-40240061-C-T. GRCh37 (hg19) VCF-style: chr19-40745968-C-T.
Other names: c.437G>A, p.Arg146Lys (NM_001243027.3, NM_001243028.3); c.623G>A, p.Arg208Lys (NM_001330511.1); c.623G>A (NM_001626.4, NM_001626.5); short protein forms R146K, R208K.
Identifiers: ClinVar variation 1052045 (VCV001052045.11), dbSNP rs35817154, ClinGen allele CA9441797.
Genomic context (GRCh38, chr19:40,240,061, plus strand): 5'-CAAAGGCTGGCCTCACACTGTCTGGGAAGGGGAGGGCAACTCACAGTGAGGAACGGGTGC[C>T]TGGTGTTCTGGAGGACCCGGCTCTCGGTGACTGTGTGAGCGACTTCATCCTGCAGACAGA-3'
Protein context (NP_001617.1, residues 198-218): VTESRVLQNT[Arg208Lys]HPFLTALKYA